The following is an entry in ClinVar:

ClinVar aggregate classification (germline): Likely benign. Review status: criteria provided, multiple submitters, no conflicts (2 of 4 stars). 3 submissions from 3 submitters: Likely benign (3). Last evaluated 2026-01-18.

Conditions:
Autosomal dominant polycystic kidney disease. Identifiers: Orphanet 730, MedGen C0085413, MONDO:0004691.
PKD2-related disorder. Also called: PKD2-related condition.

Allele frequency attached by ClinVar (database versions not stated): TOPMed 0.00002; gnomAD 0.00004; ExAC 0.00006; 1000 Genomes Project 30x 0.00016; 1000 Genomes Project 0.00020.
gnomAD v4.1: 35 of 1,613,352 alleles (0.0022%); highest among the groups gnomAD compares: Admixed American, 0.013%; no homozygotes.

Submissions (3):

PreventionGenetics, part of Exact Sciences
Classification: Likely benign for PKD2-related condition. Last evaluated: 2026-01-18. Review status: criteria provided, single submitter. Criteria: ACMG Guidelines, 2015. Collection method: clinical testing. Allele origin: germline.
Comment: This variant is classified as likely benign based on ACMG/AMP sequence variant interpretation guidelines (Richards et al. 2015 PMID: 25741868, with internal and published modifications).

Labcorp Genetics (formerly Invitae), Labcorp
Classification: Likely benign for Autosomal dominant polycystic kidney disease. Last evaluated: 2023-06-30. Review status: criteria provided, single submitter. Criteria: Invitae Variant Classification Sherloc (09022015). Collection method: clinical testing. Allele origin: germline.

Blueprint Genetics
Classification: Likely benign. Last evaluated: 2020-08-07. Review status: criteria provided, single submitter. Criteria: ACMG Guidelines, 2015. Collection method: clinical testing. Allele origin: germline.

NM_000297.4(PKD2):c.1290C>T (p.Asn430=)

Gene: PKD2 (polycystin 2, transient receptor potential cation channel; plus strand). Cytogenetic location: 4q22.1.
Variant type: single nucleotide variant.
Coding change: c.1290C>T on transcript NM_000297.4 (MANE Select); coding-DNA position 1290, C replaced by T.
Protein change: p.Asn430=; no amino-acid change (asparagine 430 retained).
Molecular consequence: synonymous variant. On other transcripts: non-coding transcript variant (1).
Genome position (GRCh38, 1-based): chr4:88,043,428, C>T. VCF-style: chr4-88043428-C-T. GRCh37 (hg19) VCF-style: chr4-88964580-C-T.
Other names: c.1290C>T (NM_000297.3).
Identifiers: ClinVar variation 2084581 (VCV002084581.6), dbSNP rs554608570, ClinGen allele CA3003916.